The following is an entry in ClinVar:

NM_015910.7(WDPCP):c.1736A>C (p.His579Pro)

Gene: WDPCP (WD repeat containing planar cell polarity effector; minus strand). Cytogenetic location: 2p15.
Variant type: single nucleotide variant.
Coding change: c.1736A>C on transcript NM_015910.7 (MANE Select); coding-DNA position 1736, A replaced by C.
Protein change: p.His579Pro; replaces histidine 579 with proline.
Molecular consequence: missense variant. On other transcripts: non-coding transcript variant (3).
Genome position (GRCh38, 1-based): chr2:63,378,398, T>G on the plus strand (A>C on the coding strand, the complement: WDPCP is on the minus strand). VCF-style: chr2-63378398-T-G. GRCh37 (hg19) VCF-style: chr2-63605533-T-G.
Other names: c.1259A>C, p.His420Pro (NM_001042692.3); c.1664A>C, p.His555Pro (NM_001354044.2); c.1736A>C, p.His579Pro (NM_001354045.2); short protein forms H579P, H420P, H555P.
Identifiers: ClinVar variation 2011259 (VCV002011259.4), dbSNP rs1692029240, ClinGen allele CA347062792.

ClinVar aggregate classification (germline): Uncertain significance (1 of 4 stars; one submission).

Conditions:
Bardet-Biedl syndrome (BBS). Identifiers: Orphanet 110, MedGen C0752166, MONDO:0015229.

Submission:

Labcorp Genetics (formerly Invitae), Labcorp
Classification: Uncertain significance for Bardet-Biedl syndrome. Last evaluated: 2022-06-27. Review status: criteria provided, single submitter. Criteria: Invitae Variant Classification Sherloc (09022015). Collection method: clinical testing. Allele origin: germline.
Comment: This sequence change replaces histidine, which is basic and polar, with proline, which is neutral and non-polar, at codon 579 of the WDPCP protein (p.His579Pro). This variant is not present in population databases (gnomAD no frequency). This variant has not been reported in the literature in individuals affected with WDPCP-related conditions. Algorithms developed to predict the effect of missense changes on protein structure and function are either unavailable or do not agree on the potential impact of this missense change (SIFT: "Deleterious"; PolyPhen-2: "Probably Damaging"; Align-GVGD: "Class C0"). In summary, the available evidence is currently insufficient to determine the role of this variant in disease. Therefore, it has been classified as a Variant of Uncertain Significance.